The following is an entry in ClinVar:

NM_000709.4(BCKDHA):c.148G>C (p.Asp50His)

Gene: BCKDHA (branched chain keto acid dehydrogenase E1 subunit alpha; plus strand). Cytogenetic location: 19q13.2.
Variant type: single nucleotide variant.
Coding change: c.148G>C on transcript NM_000709.4 (MANE Select); coding-DNA position 148, G replaced by C.
Protein change: p.Asp50His; replaces aspartic acid 50 with histidine.
Molecular consequence: missense variant.
Genome position (GRCh38, 1-based): chr19:41,410,676, G>C. VCF-style: chr19-41410676-G-C. GRCh37 (hg19) VCF-style: chr19-41916581-G-C.
Other names: c.148G>C, p.Asp50His (NM_001164783.2); short protein forms D50H.
Identifiers: ClinVar variation 2141701 (VCV002141701.1), dbSNP rs772010919, ClinGen allele CA9461011.

ClinVar aggregate classification (germline): Uncertain significance (1 of 4 stars; one submission).

Conditions:
Maple syrup urine disease (MSUD). Identifiers: Orphanet 511, MedGen C0024776, MeSH D008375, MONDO:0009563. Disease mechanism: loss of function.

Allele frequency attached by ClinVar (database versions not stated): gnomAD exomes 0.00002; TOPMed 0.00002; ExAC 0.00003.
gnomAD v4.1: 9 of 1,614,200 alleles (0.00056%); highest among the groups gnomAD compares: Admixed American, 0.015%; no homozygotes.

Submission:

Labcorp Genetics (formerly Invitae), Labcorp
Classification: Uncertain significance for Maple syrup urine disease. Last evaluated: 2022-06-20. Review status: criteria provided, single submitter. Criteria: Invitae Variant Classification Sherloc (09022015). Collection method: clinical testing. Allele origin: germline.
Comment: This sequence change replaces aspartic acid, which is acidic and polar, with histidine, which is basic and polar, at codon 50 of the BCKDHA protein (p.Asp50His). This variant is present in population databases (rs772010919, gnomAD 0.02%). This variant has not been reported in the literature in individuals affected with BCKDHA-related conditions. Advanced modeling of protein sequence and biophysical properties (such as structural, functional, and spatial information, amino acid conservation, physicochemical variation, residue mobility, and thermodynamic stability) performed at Invitae indicates that this missense variant is not expected to disrupt BCKDHA protein function. In summary, the available evidence is currently insufficient to determine the role of this variant in disease. Therefore, it has been classified as a Variant of Uncertain Significance.